The following is an entry in ClinVar:

NM_001378454.1(ALMS1):c.8042C>G (p.Ser2681Ter)

Gene: ALMS1 (ALMS1 centrosome and basal body associated protein; plus strand). Cytogenetic location: 2p13.1.
Variant type: single nucleotide variant.
Coding change: c.8042C>G on transcript NM_001378454.1 (MANE Select); coding-DNA position 8042, C replaced by G.
Protein change: p.Ser2681Ter; replaces serine 2681 with a stop codon.
Molecular consequence: nonsense.
Genome position (GRCh38, 1-based): chr2:73,490,001, C>G. VCF-style: chr2-73490001-C-G. GRCh37 (hg19) VCF-style: chr2-73717128-C-G.
Other names: c.8045C>G, p.Ser2682Ter (NM_015120.4); short protein forms S2681*, S2682*.
Identifiers: ClinVar variation 2203101 (VCV002203101.4), dbSNP rs2466213874, ClinGen allele CA347267103.

ClinVar aggregate classification (germline): Pathogenic (1 of 4 stars; one submission).

Conditions:
Alstrom syndrome (ALMS). Identifiers: Orphanet 64, MedGen C0268425, MONDO:0008763, OMIM 203800.

Allele frequency attached by ClinVar (database versions not stated): gnomAD exomes below 0.00001.
gnomAD v4.1: 2 of 1,614,230 alleles (0.00012%); highest among the groups gnomAD compares: Non-Finnish European, 0.00017%; no homozygotes.

Submission:

Labcorp Genetics (formerly Invitae), Labcorp
Classification: Pathogenic for Alstrom syndrome. Last evaluated: 2021-12-07. Review status: criteria provided, single submitter. Criteria: Invitae Variant Classification Sherloc (09022015). Collection method: clinical testing. Allele origin: germline.
Comment: This sequence change creates a premature translational stop signal (p.Ser2682*) in the ALMS1 gene. It is expected to result in an absent or disrupted protein product. Loss-of-function variants in ALMS1 are known to be pathogenic (PMID: 17594715). This variant is not present in population databases (gnomAD no frequency). This premature translational stop signal has been observed in individual(s) with clinical features of Alstrom syndrome (PMID: 17594715). For these reasons, this variant has been classified as Pathogenic.

Literature cited by the submitters: PubMed 17594715.